The following is an entry in ClinVar:

ClinVar aggregate classification (germline): Uncertain significance (1 of 4 stars; one submission).

Conditions:
Nemaline myopathy 2 (NEM2). Also called: Nemaline myopathy 2, autosomal recessive. Identifiers: MedGen C1850569, MONDO:0009725, OMIM 256030.

gnomAD v4.1: 8 of 1,611,784 alleles (0.0005%); highest among the groups gnomAD compares: East Asian, 0.0067%; no homozygotes.

Submission:

Labcorp Genetics (formerly Invitae), Labcorp
Classification: Uncertain significance for Nemaline myopathy 2. Last evaluated: 2025-06-08. Review status: criteria provided, single submitter. Criteria: Invitae Variant Classification Sherloc (09022015). Collection method: clinical testing. Allele origin: germline.
Comment: This sequence change replaces glycine, which is neutral and non-polar, with arginine, which is basic and polar, at codon 2311 of the NEB protein (p.Gly2311Arg). This variant is present in population databases (no rsID available, gnomAD 0.006%). This variant has not been reported in the literature in individuals affected with NEB-related conditions. Experimental studies and prediction algorithms are not available or were not evaluated, and the functional significance of this variant is currently unknown. In summary, the available evidence is currently insufficient to determine the role of this variant in disease. Therefore, it has been classified as a Variant of Uncertain Significance.

NM_001164508.2(NEB):c.6931G>C (p.Gly2311Arg)

Gene: NEB (nebulin; minus strand). Cytogenetic location: 2q23.3.
Variant type: single nucleotide variant.
Coding change: c.6931G>C on transcript NM_001164508.2 (MANE Select); coding-DNA position 6931, G replaced by C.
Protein change: p.Gly2311Arg; replaces glycine 2311 with arginine.
Molecular consequence: missense variant.
Genome position (GRCh38, 1-based): chr2:151,650,870, C>G on the plus strand (G>C on the coding strand, the complement: NEB is on the minus strand). VCF-style: chr2-151650870-C-G. GRCh37 (hg19) VCF-style: chr2-152507384-C-G.
Other names: c.6931G>C, p.Gly2311Arg (NM_001164507.2, NM_001271208.2, NM_004543.5); short protein forms G2311R.
Identifiers: ClinVar variation 4746016 (VCV004746016.1).